The following is an entry in ClinVar:

NM_001080467.3(MYO5B):c.1056+4A>C

Gene: MYO5B (myosin VB; minus strand). Cytogenetic location: 18q21.1.
Variant type: single nucleotide variant.
Coding change: c.1056+4A>C on transcript NM_001080467.3 (MANE Select); 4 bases into the intron after coding-DNA position 1056, A replaced by C.
Molecular consequence: intron variant.
Genome position (GRCh38, 1-based): chr18:49,980,440, T>G on the plus strand (A>C on the coding strand, the complement: MYO5B is on the minus strand). VCF-style: chr18-49980440-T-G. GRCh37 (hg19) VCF-style: chr18-47506810-T-G.
Identifiers: ClinVar variation 2097786 (VCV002097786.4), dbSNP rs2025801587, ClinGen allele CA990162702.
Genomic context (GRCh38, chr18:49,980,440, plus strand): 5'-CAGTCATATCAAAGAACAGGGTAAATTGTGTTCATTTTATCTCCGGTGTTGGTGTGCAAC[T>G]TACTGATATACTACAGGAATCACCATCACGCTCAGCCTGAATCGCCACACTTCCAAGGTG-3'

ClinVar aggregate classification (germline): Uncertain significance (1 of 4 stars; one submission).

Allele frequency attached by ClinVar (database versions not stated): gnomAD 0.00001.
gnomAD v4.1: 2 of 1,595,336 alleles (0.00013%); highest among the groups gnomAD compares: Admixed American, 0.0017%; no homozygotes.

Submission:

Labcorp Genetics (formerly Invitae), Labcorp
Classification: Uncertain significance. Last evaluated: 2022-03-11. Review status: criteria provided, single submitter. Criteria: Invitae Variant Classification Sherloc (09022015). Collection method: clinical testing. Allele origin: germline.
Comment: In summary, the available evidence is currently insufficient to determine the role of this variant in disease. Therefore, it has been classified as a Variant of Uncertain Significance. Variants that disrupt the consensus splice site are a relatively common cause of aberrant splicing (PMID: 17576681, 9536098). Algorithms developed to predict the effect of sequence changes on RNA splicing suggest that this variant may disrupt the consensus splice site. This variant has not been reported in the literature in individuals affected with MYO5B-related conditions. This variant is not present in population databases (gnomAD no frequency). This sequence change falls in intron 9 of the MYO5B gene. It does not directly change the encoded amino acid sequence of the MYO5B protein. It affects a nucleotide within the consensus splice site.

Literature cited by the submitters: PubMed 17576681; PubMed 9536098.